The following is an entry in ClinVar:

ClinVar aggregate classification (germline): Uncertain significance (1 of 4 stars; one submission).

Conditions:
Early Myoclonic Encephalopathy. Identifiers: MedGen C0270855.

Allele frequency attached by ClinVar (database versions not stated): gnomAD 0.00004 and 0.00003; TOPMed 0.00004.
gnomAD v4.1: 21 of 1,603,354 alleles (0.0013%); highest among the groups gnomAD compares: Non-Finnish European, 0.0017%; no homozygotes.

Submission:

Labcorp Genetics (formerly Invitae), Labcorp
Classification: Uncertain significance for Early Myoclonic Encephalopathy. Last evaluated: 2025-06-17. Review status: criteria provided, single submitter. Criteria: Invitae Variant Classification Sherloc (09022015). Collection method: clinical testing. Allele origin: germline.
Comment: This sequence change replaces aspartic acid, which is acidic and polar, with tyrosine, which is neutral and polar, at codon 2532 of the JMJD1C protein (p.Asp2532Tyr). This variant is present in population databases (no rsID available, gnomAD 0.007%). This variant has not been reported in the literature in individuals affected with JMJD1C-related conditions. ClinVar contains an entry for this variant (Variation ID: 943921). Invitae Evidence Modeling of protein sequence and biophysical properties (such as structural, functional, and spatial information, amino acid conservation, physicochemical variation, residue mobility, and thermodynamic stability) has been performed for this missense variant. However, the output from this modeling did not meet the statistical confidence thresholds required to predict the impact of this variant on JMJD1C protein function. Algorithms developed to predict the effect of sequence changes on RNA splicing suggest that this variant may disrupt the consensus splice site. In summary, the available evidence is currently insufficient to determine the role of this variant in disease. Therefore, it has been classified as a Variant of Uncertain Significance.

NM_032776.3(JMJD1C):c.7594G>T (p.Asp2532Tyr)

Gene: JMJD1C (jumonji domain containing 1C; minus strand). Cytogenetic location: 10q21.3.
Variant type: single nucleotide variant.
Coding change: c.7594G>T on transcript NM_032776.3 (MANE Select); coding-DNA position 7594, G replaced by T.
Protein change: p.Asp2532Tyr; replaces aspartic acid 2532 with tyrosine.
Molecular consequence: missense variant. On other transcripts: non-coding transcript variant (1).
Genome position (GRCh38, 1-based): chr10:63,168,074, C>A on the plus strand (G>T on the coding strand, the complement: JMJD1C is on the minus strand). VCF-style: chr10-63168074-C-A. GRCh37 (hg19) VCF-style: chr10-64927834-C-A.
Other names: c.7048G>T, p.Asp2350Tyr (NM_001282948.2, NM_001318154.2); c.6730G>T, p.Asp2244Tyr (NM_001318153.2); c.7480G>T, p.Asp2494Tyr (NM_001322252.2); c.6937G>T, p.Asp2313Tyr (NM_001322254.2, NM_001322258.2); short protein forms D2494Y, D2532Y, D2350Y, D2244Y, D2313Y.
Identifiers: ClinVar variation 943921 (VCV000943921.9), dbSNP rs1444163213, ClinGen allele CA377017642.
Genomic context (GRCh38, chr10:63,168,074, plus strand): 5'-AACAACCTAAAAATATCAAACTGGATCACACTTAATTTTCTTCCATATCCTCTACTTCAT[C>A]CTCGTGTATCTTCAAGGCTCTCACCATTTCTTTGACTGCATGATACAAAATATTTTTAAC-3'
Protein context (NP_116165.1, residues 2522-2540): EMVRALKIHE[Asp2532Tyr]EVEDMEEN